The following is an entry in ClinVar:

NM_001386795.1(DTNA):c.1402G>A (p.Ala468Thr)

Gene: DTNA (dystrobrevin alpha; plus strand). Cytogenetic location: 18q12.1.
Variant type: single nucleotide variant.
Coding change: c.1402G>A on transcript NM_001386795.1 (MANE Select); coding-DNA position 1402, G replaced by A.
Protein change: p.Ala468Thr; replaces alanine 468 with threonine.
Molecular consequence: missense variant. On other transcripts: intron variant (1).
Genome position (GRCh38, 1-based): chr18:34,848,351, G>A. VCF-style: chr18-34848351-G-A. GRCh37 (hg19) VCF-style: chr18-32428315-G-A.
Other names: c.1141G>A, p.Ala381Thr (NM_001198938.2, NM_001198939.2, NM_001198940.2 and 13 more transcripts); c.448G>A, p.Ala150Thr (NM_001198942.1); c.391G>A, p.Ala131Thr (NM_001198943.1); c.277G>A, p.Ala93Thr (NM_001198944.1); c.1231G>A, p.Ala411Thr (NM_001386754.1, NM_001386755.1, NM_001386756.1 and 5 more transcripts); c.1150G>A, p.Ala384Thr (NM_001386761.1, NM_001386762.1, NM_032975.4 and 1 more transcripts); c.1402G>A, p.Ala468Thr (NM_001386788.1); c.1321G>A, p.Ala441Thr (NM_001390.5, NM_001391.5); and 4 more; short protein forms A131T, A438T, A441T, A93T, A384T, A468T, A150T, A381T.
Identifiers: ClinVar variation 4692203 (VCV004692203.1).
Genomic context (GRCh38, chr18:34,848,351, plus strand): 5'-AATAGCATGCTTGAGAGTTCAAACCGGCTTGATGAAGAACACAGGCTAATTGCCAGGTAT[G>A]CGGCAAGGCTGGCAGCAGAGTCCTCTTCGTCTGTAAGTAGTTGGAGTAAAAGGATTCGTC-3'
Protein context (NP_001373724.1, residues 458-478): DEEHRLIARY[Ala468Thr]ARLAAESSSS

ClinVar aggregate classification (germline): Uncertain significance (1 of 4 stars; one submission).

Conditions:
Left ventricular noncompaction 1 (LVNC1). Also called: LEFT VENTRICULAR NONCOMPACTION 1 WITH OR WITHOUT CONGENITAL HEART DEFECTS. Identifiers: Orphanet 54260, MedGen C1858725, MONDO:0011403, OMIM 604169.

gnomAD v4.1: 1 of 1,614,064 alleles (0.000062%); highest among the groups gnomAD compares: Non-Finnish European, 0.000085%; no homozygotes.

Submission:

Labcorp Genetics (formerly Invitae), Labcorp
Classification: Uncertain significance for Left ventricular noncompaction 1. Last evaluated: 2025-09-23. Review status: criteria provided, single submitter. Criteria: Invitae Variant Classification Sherloc (09022015). Collection method: clinical testing. Allele origin: germline.
Comment: This sequence change replaces alanine, which is neutral and non-polar, with threonine, which is neutral and polar, at codon 441 of the DTNA protein (p.Ala441Thr). This variant is not present in population databases (gnomAD no frequency). This variant has not been reported in the literature in individuals affected with DTNA-related conditions. An algorithm developed to predict the effect of missense changes on protein structure and function (PolyPhen-2) suggests that this variant is likely to be disruptive. In summary, the available evidence is currently insufficient to determine the role of this variant in disease. Therefore, it has been classified as a Variant of Uncertain Significance.